The following is an entry in ClinVar:

NM_000059.4(BRCA2):c.4209T>A (p.Thr1403=)

Gene: BRCA2 (BRCA2 DNA repair associated; plus strand). Cytogenetic location: 13q13.1.
Variant type: single nucleotide variant.
Coding change: c.4209T>A on transcript NM_000059.4 (MANE Select); coding-DNA position 4209, T replaced by A.
Protein change: p.Thr1403=; no amino-acid change (threonine 1403 retained).
Molecular consequence: synonymous variant.
Genome position (GRCh38, 1-based): chr13:32,338,564, T>A. VCF-style: chr13-32338564-T-A. GRCh37 (hg19) VCF-style: chr13-32912701-T-A.
Identifiers: ClinVar variation 427393 (VCV000427393.11), dbSNP rs1131692120, ClinGen allele CA483437930.

ClinVar aggregate classification (germline): Likely benign. Review status: reviewed by expert panel (3 of 4 stars). 2 submissions from 2 submitters: Likely benign (1). 1 of the submissions does not count toward it. Last evaluated 2017-06-29.

Conditions:
Breast-ovarian cancer, familial, susceptibility to, 2 (BROVCA2). Also called: BRCA2 Hereditary Breast and Ovarian Cancer. Identifiers: Orphanet 145, MedGen C2675520, MONDO:0012933, OMIM 612555. Disease mechanism: loss of function.
Hereditary breast ovarian cancer syndrome. Also called: Hereditary breast and ovarian cancer syndrome; BRCA1- and BRCA2-Associated Hereditary Breast and Ovarian Cancer; Hereditary breast and/or ovarian cancer syndrome; Hereditary breast and ovarian cancer; Breast and ovarian cancer; Hereditary breast and ovarian cancer syndrome (HBOC). Identifiers: Orphanet 145, MedGen C0677776, MeSH D061325, MONDO:0003582. Disease mechanism: loss of function.

Submissions (2):

Evidence-based Network for the Interpretation of Germline Mutant Alleles (ENIGMA)
Classification: Likely benign for Breast-ovarian cancer, familial, susceptibility to, 2. Last evaluated: 2017-06-29. Review status: reviewed by expert panel. Criteria: ENIGMA BRCA1/2 Classification Criteria (2017-06-29). Collection method: curation. Allele origin: germline.
Comment: Synonymous substitution variant, with low bioinformatic likelihood to result in a splicing aberration (Splicing prior probability 0.02).

Labcorp Genetics (formerly Invitae), Labcorp
Classification: Likely benign for Hereditary breast ovarian cancer syndrome. Last evaluated: 2023-07-28. Review status: criteria provided, single submitter. Criteria: Invitae Variant Classification Sherloc (09022015). Collection method: clinical testing. Allele origin: germline. Not counted in ClinVar's aggregate classification.